The following is an entry in ClinVar:

NM_001127392.3(MYRF):c.142C>G (p.Pro48Ala)

Gene: MYRF (myelin regulatory factor; plus strand). Cytogenetic location: 11q12.2.
Variant type: single nucleotide variant.
Coding change: c.142C>G on transcript NM_001127392.3 (MANE Select); coding-DNA position 142, C replaced by G.
Protein change: p.Pro48Ala; replaces proline 48 with alanine.
Molecular consequence: missense variant.
Genome position (GRCh38, 1-based): chr11:61,765,965, C>G. VCF-style: chr11-61765965-C-G. GRCh37 (hg19) VCF-style: chr11-61533437-C-G.
Other names: c.115C>G, p.Pro39Ala (NM_013279.4); short protein forms P48A, P39A.
Identifiers: ClinVar variation 5000699 (VCV005000699.1).

ClinVar aggregate classification (germline): Uncertain significance (1 of 4 stars; one submission).

Conditions:
MYRF-related disorder. Also called: MYRF-related disorders; MYRF-related condition.

Submission:

PreventionGenetics, part of Exact Sciences
Classification: Uncertain significance for MYRF-related condition. Last evaluated: 2025-01-29. Review status: criteria provided, single submitter. Criteria: ACMG Guidelines, 2015. Collection method: clinical testing. Allele origin: germline.
Comment: The MYRF c.142C>G variant is predicted to result in the amino acid substitution p.Pro48Ala. To our knowledge, this variant has not been reported in the literature or in a large population database (gnomAD), indicating this variant is rare. At this time, the clinical significance of this variant is uncertain due to the absence of conclusive functional and genetic evidence.